The following is an entry in ClinVar:

ClinVar aggregate classification (germline): Conflicting classifications of pathogenicity. Review status: criteria provided, conflicting classifications (1 of 4 stars). 2 submissions from 2 submitters: Likely pathogenic (1); Uncertain significance (1). Last evaluated 2024-05-25.

Conditions:
Ehlers-Danlos syndrome, classic type, 1 (EDSCL1). Also called: EHLERS-DANLOS SYNDROME, GRAVIS TYPE; EHLERS-DANLOS SYNDROME, SEVERE CLASSIC TYPE; Ehlers-Danlos syndrome, type 1; Ehlers-Danlos Syndrome, Classic Type, COL5A1-Related; EDS I. Identifiers: MedGen C0268335, MONDO:0019567, OMIM 130000.
Osteogenesis imperfecta type I (OI1). Also called: OI, TYPE I; OSTEOGENESIS IMPERFECTA TARDA; OSTEOGENESIS IMPERFECTA WITH BLUE SCLERAE; Osteogenesis imperfecta type 1; Lobstein's Disease; Lobstein disease. Identifiers: Orphanet 216796, Orphanet 666, MedGen C0023931, MONDO:0008146, OMIM 166200. Disease mechanism: loss of function.

gnomAD v4.1: 1 of 1,611,688 alleles (0.000062%); highest among the groups gnomAD compares: African/African-American, 0.0013%; no homozygotes.

Submissions (2):

Labcorp Genetics (formerly Invitae), Labcorp
Classification: Likely pathogenic for Osteogenesis imperfecta type I; Ehlers-Danlos syndrome, classic type, 1. Last evaluated: 2024-05-25. Review status: criteria provided, single submitter. Criteria: Invitae Variant Classification Sherloc (09022015). Collection method: clinical testing. Allele origin: germline.
Comment: This sequence change replaces glycine, which is neutral and non-polar, with serine, which is neutral and polar, at codon 163 of the COL1A2 protein (p.Gly163Ser). This variant is not present in population databases (gnomAD no frequency). This variant has not been reported in the literature in individuals affected with COL1A2-related conditions. Experimental studies and prediction algorithms are not available or were not evaluated, and the functional significance of this variant is currently unknown. This variant disrupts the triple helix domain of COL1A2. Glycine residues within the Gly-Xaa-Yaa repeats of the triple helix domain are required for the structure and stability of fibrillar collagens (PMID: 7695699, 8218237, 19344236). In COL1A2, variants affecting these glycine residues are significantly enriched in individuals with disease (PMID: 9016532, 17078022) compared to the general population (ExAC). In summary, the currently available evidence indicates that the variant is pathogenic, but additional data are needed to prove that conclusively. Therefore, this variant has been classified as Likely Pathogenic.

GeneDx
Classification: Uncertain significance. Last evaluated: 2024-03-12. Review status: criteria provided, single submitter. Criteria: GeneDx Variant Classification Process June 2021. Collection method: clinical testing. Allele origin: germline. Affected: yes.
Comment: Not observed at significant frequency in large population cohorts (gnomAD); In silico analysis supports that this missense variant has a deleterious effect on protein structure/function; Has not been previously published as pathogenic or benign to our knowledge

Literature cited by the submitters: PubMed 7695699 (cited by Labcorp Genetics (formerly Invitae), Labcorp); PubMed 8218237 (cited by Labcorp Genetics (formerly Invitae), Labcorp); PubMed 19344236 (cited by Labcorp Genetics (formerly Invitae), Labcorp); PubMed 9016532 (cited by Labcorp Genetics (formerly Invitae), Labcorp); PubMed 17078022 (cited by Labcorp Genetics (formerly Invitae), Labcorp).

NM_000089.4(COL1A2):c.487G>A (p.Gly163Ser)

Gene: COL1A2 (collagen type I alpha 2 chain; plus strand). Cytogenetic location: 7q21.3.
Variant type: single nucleotide variant.
Coding change: c.487G>A on transcript NM_000089.4 (MANE Select); coding-DNA position 487, G replaced by A.
Protein change: p.Gly163Ser; replaces glycine 163 with serine.
Molecular consequence: missense variant.
Genome position (GRCh38, 1-based): chr7:94,405,673, G>A. VCF-style: chr7-94405673-G-A. GRCh37 (hg19) VCF-style: chr7-94034985-G-A.
Other names: short protein forms G163S.
Identifiers: ClinVar variation 3370926 (VCV003370926.3).